The following is an entry in ClinVar:

NM_198253.3(TERT):c.264G>C (p.Leu88=)

Gene: TERT (telomerase reverse transcriptase; minus strand). Cytogenetic location: 5p15.33.
Variant type: single nucleotide variant.
Coding change: c.264G>C on transcript NM_198253.3 (MANE Select); coding-DNA position 264, G replaced by C.
Protein change: p.Leu88=; no amino-acid change (leucine 88 retained).
Molecular consequence: synonymous variant. On other transcripts: non-coding transcript variant (2).
Genome position (GRCh38, 1-based): chr5:1,294,622, C>G on the plus strand (G>C on the coding strand, the complement: TERT is on the minus strand). VCF-style: chr5-1294622-C-G. GRCh37 (hg19) VCF-style: chr5-1294737-C-G.
Other names: c.264G>C, p.Leu88= (NM_001193376.3).
Identifiers: ClinVar variation 436981 (VCV000436981.19), dbSNP rs768398792, ClinGen allele CA3184998.

ClinVar aggregate classification (germline): Conflicting classifications of pathogenicity. Review status: criteria provided, conflicting classifications (1 of 4 stars). 4 submissions from 4 submitters: Uncertain significance (1); Likely benign (3). Last evaluated 2026-04-01.

Conditions:
Idiopathic Pulmonary Fibrosis. Also called: Idiopathic fibrosing alveolitis, chronic form; idiopathic fibrosing alveolitis. Identifiers: Orphanet 2032, MedGen C1800706, MeSH D054990, MONDO:0800504.
Dyskeratosis congenita, autosomal dominant 2. Identifiers: MedGen C3151443, MONDO:0013521, OMIM 613989.
Dyskeratosis congenita. Identifiers: Orphanet 1775, MedGen C0265965, MONDO:0015780.

Allele frequency attached by ClinVar (database versions not stated): gnomAD exomes below 0.00001 and 0.00001; ExAC 0.00002.
gnomAD v4.1: 2 of 1,596,154 alleles (0.00013%); highest among the groups gnomAD compares: Admixed American, 0.0033%; no homozygotes.

Submissions (4):

CeGaT Center for Human Genetics Tuebingen
Classification: Likely benign. Last evaluated: 2026-04-01. Review status: criteria provided, single submitter. Criteria: CeGaT Center For Human Genetics Tuebingen Variant Classification Criteria Version 2. Collection method: clinical testing. Allele origin: germline. Affected: yes. Observed: 1 variant allele.
Comment: TERT: BP4, BP7

Labcorp Genetics (formerly Invitae), Labcorp
Classification: Likely benign for Dyskeratosis congenita, autosomal dominant 2; Idiopathic Pulmonary Fibrosis. Last evaluated: 2025-02-27. Review status: criteria provided, single submitter. Criteria: Invitae Variant Classification Sherloc (09022015). Collection method: clinical testing. Allele origin: germline.

Ambry Genetics
Classification: Likely benign for Dyskeratosis congenita. Last evaluated: 2023-02-28. Review status: criteria provided, single submitter. Criteria: Ambry Variant Classification Scheme 2023. Collection method: clinical testing. Allele origin: germline.

Genetic Services Laboratory, University of Chicago
Classification: Uncertain significance. Last evaluated: 2017-02-16. Review status: criteria provided, single submitter. Criteria: ACMG Guidelines, 2015. Collection method: clinical testing. Allele origin: germline. Affected: no.